The following is an entry in ClinVar:

NM_024675.4(PALB2):c.562G>T (p.Ala188Ser)

Gene: PALB2 (partner and localizer of BRCA2; minus strand). Cytogenetic location: 16p12.2.
Variant type: single nucleotide variant.
Coding change: c.562G>T on transcript NM_024675.4 (MANE Select); coding-DNA position 562, G replaced by T.
Protein change: p.Ala188Ser; replaces alanine 188 with serine.
Molecular consequence: missense variant.
Genome position (GRCh38, 1-based): chr16:23,635,984, C>A on the plus strand (G>T on the coding strand, the complement: PALB2 is on the minus strand). VCF-style: chr16-23635984-C-A. GRCh37 (hg19) VCF-style: chr16-23647305-C-A.
Other names: short protein forms A188S.
Identifiers: ClinVar variation 1002669 (VCV001002669.9), dbSNP rs1967038001, ClinGen allele CA395136821.

ClinVar aggregate classification (germline): Uncertain significance (1 of 4 stars; one submission).

Conditions:
Familial cancer of breast. Also called: Hereditary breast cancer; hereditary breast carcinoma; BREAST CANCER, FAMILIAL. Identifiers: Orphanet 227535, MedGen C0346153, MONDO:0016419, OMIM 114480. Disease mechanism: loss of function.

Submission:

Labcorp Genetics (formerly Invitae), Labcorp
Classification: Uncertain significance for Familial cancer of breast. Last evaluated: 2024-04-29. Review status: criteria provided, single submitter. Criteria: Invitae Variant Classification Sherloc (09022015). Collection method: clinical testing. Allele origin: germline.
Comment: This sequence change replaces alanine, which is neutral and non-polar, with serine, which is neutral and polar, at codon 188 of the PALB2 protein (p.Ala188Ser). This variant is not present in population databases (gnomAD no frequency). This variant has not been reported in the literature in individuals affected with PALB2-related conditions. ClinVar contains an entry for this variant (Variation ID: 1002669). An algorithm developed to predict the effect of missense changes on protein structure and function (PolyPhen-2) suggests that this variant is likely to be tolerated. In summary, the available evidence is currently insufficient to determine the role of this variant in disease. Therefore, it has been classified as a Variant of Uncertain Significance.